The following is an entry in ClinVar:

NM_014251.3(SLC25A13):c.79A>G (p.Ile27Val)

Gene: SLC25A13 (solute carrier family 25 member 13; minus strand). Cytogenetic location: 7q21.3.
Variant type: single nucleotide variant.
Coding change: c.79A>G on transcript NM_014251.3 (MANE Select); coding-DNA position 79, A replaced by G.
Protein change: p.Ile27Val; replaces isoleucine 27 with valine.
Molecular consequence: missense variant. On other transcripts: non-coding transcript variant (1).
Genome position (GRCh38, 1-based): chr7:96,277,329, T>C on the plus strand (A>G on the coding strand, the complement: SLC25A13 is on the minus strand). VCF-style: chr7-96277329-T-C. GRCh37 (hg19) VCF-style: chr7-95906641-T-C.
Other names: c.79A>G, p.Ile27Val (NM_001160210.2); short protein forms I27V.
Identifiers: ClinVar variation 949176 (VCV000949176.7), dbSNP rs1798494534, ClinGen allele CA368406737.

ClinVar aggregate classification (germline): Uncertain significance (1 of 4 stars; one submission).

Conditions:
Citrin deficiency. Identifiers: Orphanet 247582, MedGen C1997910, MONDO:0016602.

Allele frequency attached by ClinVar (database versions not stated): gnomAD exomes below 0.00001; TOPMed 0.00001.
gnomAD v4.1: 3 of 1,612,700 alleles (0.00019%); highest among the groups gnomAD compares: African/African-American, 0.004%; no homozygotes.

Submission:

Labcorp Genetics (formerly Invitae), Labcorp
Classification: Uncertain significance for Citrin deficiency. Last evaluated: 2021-08-28. Review status: criteria provided, single submitter. Criteria: Invitae Variant Classification Sherloc (09022015). Collection method: clinical testing. Allele origin: germline.
Comment: This sequence change replaces isoleucine with valine at codon 27 of the SLC25A13 protein (p.Ile27Val). The isoleucine residue is moderately conserved and there is a small physicochemical difference between isoleucine and valine. This variant is not present in population databases (ExAC no frequency). This variant has not been reported in the literature in individuals affected with SLC25A13-related conditions. Algorithms developed to predict the effect of missense changes on protein structure and function output the following: SIFT: "Tolerated"; PolyPhen-2: "Benign"; Align-GVGD: "Class C0". The valine amino acid residue is found in multiple mammalian species, which suggests that this missense change does not adversely affect protein function. In summary, the available evidence is currently insufficient to determine the role of this variant in disease. Therefore, it has been classified as a Variant of Uncertain Significance.